The following is an entry in ClinVar:

ClinVar aggregate classification (germline): Uncertain significance (1 of 4 stars; one submission).

Allele frequency attached by ClinVar (database versions not stated): gnomAD exomes below 0.00001.
gnomAD v4.1: 3 of 1,612,150 alleles (0.00019%); highest among the groups gnomAD compares: South Asian, 0.0033%; no homozygotes.

Submission:

Labcorp Genetics (formerly Invitae), Labcorp
Classification: Uncertain significance. Last evaluated: 2024-04-15. Review status: criteria provided, single submitter. Criteria: Invitae Variant Classification Sherloc (09022015). Collection method: clinical testing. Allele origin: germline.
Comment: This sequence change replaces serine, which is neutral and polar, with alanine, which is neutral and non-polar, at codon 379 of the PPP3CA protein (p.Ser379Ala). This variant is present in population databases (no rsID available, gnomAD 0.003%). This variant has not been reported in the literature in individuals affected with PPP3CA-related conditions. ClinVar contains an entry for this variant (Variation ID: 1487528). Advanced modeling of protein sequence and biophysical properties (such as structural, functional, and spatial information, amino acid conservation, physicochemical variation, residue mobility, and thermodynamic stability) performed at Invitae indicates that this missense variant is not expected to disrupt PPP3CA protein function with a negative predictive value of 80%. In summary, the available evidence is currently insufficient to determine the role of this variant in disease. Therefore, it has been classified as a Variant of Uncertain Significance.

NM_000944.5(PPP3CA):c.1135T>G (p.Ser379Ala)

Gene: PPP3CA (protein phosphatase 3 catalytic subunit alpha; minus strand). Cytogenetic location: 4q24.
Variant type: single nucleotide variant.
Coding change: c.1135T>G on transcript NM_000944.5 (MANE Select); coding-DNA position 1135, T replaced by G.
Protein change: p.Ser379Ala; replaces serine 379 with alanine.
Molecular consequence: missense variant.
Genome position (GRCh38, 1-based): chr4:101,061,108, A>C on the plus strand (T>G on the coding strand, the complement: PPP3CA is on the minus strand). VCF-style: chr4-101061108-A-C. GRCh37 (hg19) VCF-style: chr4-101982265-A-C.
Other names: c.1135T>G, p.Ser379Ala (NM_001130691.2); c.1009T>G, p.Ser337Ala (NM_001130692.2); short protein forms S337A, S379A.
Identifiers: ClinVar variation 1487528 (VCV001487528.8), dbSNP rs1403289502, ClinGen allele CA357948617.